The following is an entry in ClinVar:

ClinVar aggregate classification (germline): Uncertain significance (1 of 4 stars; one submission).

Conditions:
Sulfite oxidase deficiency due to molybdenum cofactor deficiency type A. Also called: Molybdenum cofactor deficiency, complementation group A; Molybdenum Cofactor Deficiency A. Identifiers: Orphanet 308386, Orphanet 833, MedGen C1854988, MONDO:0009643, OMIM 252150.

Allele frequency attached by ClinVar (database versions not stated): gnomAD 0.00001; TOPMed 0.00001; gnomAD exomes 0.00002; ExAC 0.00003.

Submission:

Labcorp Genetics (formerly Invitae), Labcorp
Classification: Uncertain significance for Sulfite oxidase deficiency due to molybdenum cofactor deficiency type A. Last evaluated: 2021-08-31. Review status: criteria provided, single submitter. Criteria: Invitae Variant Classification Sherloc (09022015). Collection method: clinical testing. Allele origin: germline.
Comment: This sequence change replaces isoleucine with valine at codon 177 of the MOCS1 protein (p.Ile177Val). The isoleucine residue is highly conserved and there is a small physicochemical difference between isoleucine and valine. This variant is present in population databases (rs767025683, ExAC 0.005%). This variant has not been reported in the literature in individuals affected with MOCS1-related conditions. Algorithms developed to predict the effect of missense changes on protein structure and function output the following: SIFT: "Tolerated"; PolyPhen-2: "Benign"; Align-GVGD: "Class C0". The valine amino acid residue is found in multiple mammalian species, which suggests that this missense change does not adversely affect protein function. Algorithms developed to predict the effect of sequence changes on RNA splicing suggest that this variant may create or strengthen a splice site. In summary, the available evidence is currently insufficient to determine the role of this variant in disease. Therefore, it has been classified as a Variant of Uncertain Significance.

NM_001358530.2(MOCS1):c.529A>G (p.Ile177Val)

Gene: MOCS1 (molybdenum cofactor synthesis 1; minus strand). Cytogenetic location: 6p21.2.
Variant type: single nucleotide variant.
Coding change: c.529A>G on transcript NM_001358530.2 (MANE Select); coding-DNA position 529, A replaced by G.
Protein change: p.Ile177Val; replaces isoleucine 177 with valine.
Molecular consequence: missense variant. On other transcripts: non-coding transcript variant (1).
Genome position (GRCh38, 1-based): chr6:39,916,122, T>C on the plus strand (A>G on the coding strand, the complement: MOCS1 is on the minus strand). VCF-style: chr6-39916122-T-C. GRCh37 (hg19) VCF-style: chr6-39883866-T-C.
Other names: c.529A>G, p.Ile177Val (NM_001075098.4, NM_001358529.2, NM_005943.6); c.268A>G, p.Ile90Val (NM_001358531.2, NM_001358533.2, NM_001358534.2); short protein forms I177V, I90V.
Identifiers: ClinVar variation 1475696 (VCV001475696.5), dbSNP rs767025683, ClinGen allele CA3796253.
Genomic context (GRCh38, chr6:39,916,122, plus strand): 5'-GCTCACCTTTCCTGCGGACAATGAACTCAAACTTGGCAGGCACCAGGGTGTCCAGGCTGA[T>C]GTTGATGGCACTGAGACCAGCCTTCTGAAGCTGGGGCAGTAGCCGGGCCAGGTTGATGCC-3'
Protein context (NP_001345459.1, residues 167-187): LQKAGLSAIN[Ile177Val]SLDTLVPAKF